The following is an entry in ClinVar:

ClinVar aggregate classification (germline): Uncertain significance (1 of 4 stars; one submission).

Conditions:
Immunodeficiency 51 (IMD51). Also called: CANDIDIASIS, FAMILIAL, 5. Identifiers: Orphanet 1334, MedGen C4310803, MONDO:0013500, OMIM 613953.

gnomAD v4.1: 2 of 1,606,782 alleles (0.00012%); highest among the groups gnomAD compares: Non-Finnish European, 0.000085%; no homozygotes.

Submission:

Labcorp Genetics (formerly Invitae), Labcorp
Classification: Uncertain significance for Immunodeficiency 51. Last evaluated: 2021-04-29. Review status: criteria provided, single submitter. Criteria: Invitae Variant Classification Sherloc (09022015). Collection method: clinical testing. Allele origin: germline.
Comment: In summary, the available evidence is currently insufficient to determine the role of this variant in disease. Therefore, it has been classified as a Variant of Uncertain Significance. This sequence change replaces cysteine with serine at codon 581 of the IL17RA protein (p.Cys581Ser). The cysteine residue is moderately conserved and there is a moderate physicochemical difference between cysteine and serine. This variant is not present in population databases (ExAC no frequency). This variant has not been reported in the literature in individuals with IL17RA-related conditions. Algorithms developed to predict the effect of missense changes on protein structure and function (SIFT, PolyPhen-2, Align-GVGD) all suggest that this variant is likely to be tolerated, but these predictions have not been confirmed by published functional studies and their clinical significance is uncertain.

NM_014339.7(IL17RA):c.1742G>C (p.Cys581Ser)

Gene: IL17RA (interleukin 17 receptor A; plus strand). Cytogenetic location: 22q11.1.
Variant type: single nucleotide variant.
Coding change: c.1742G>C on transcript NM_014339.7 (MANE Select); coding-DNA position 1742, G replaced by C.
Protein change: p.Cys581Ser; replaces cysteine 581 with serine.
Molecular consequence: missense variant.
Genome position (GRCh38, 1-based): chr22:17,108,961, G>C. VCF-style: chr22-17108961-G-C. GRCh37 (hg19) VCF-style: chr22-17589851-G-C.
Other names: c.1640G>C, p.Cys547Ser (NM_001289905.2); short protein forms C581S, C547S.
Identifiers: ClinVar variation 1430026 (VCV001430026.7), dbSNP rs777862276, ClinGen allele CA410218738.